The following is an entry in ClinVar:

NM_000321.3(RB1):c.364A>C (p.Lys122Gln)

Gene: RB1 (RB transcriptional corepressor 1; plus strand). Cytogenetic location: 13q14.2.
Variant type: single nucleotide variant.
Coding change: c.364A>C on transcript NM_000321.3 (MANE Select); coding-DNA position 364, A replaced by C.
Protein change: p.Lys122Gln; replaces lysine 122 with glutamine.
Molecular consequence: missense variant.
Genome position (GRCh38, 1-based): chr13:48,342,698, A>C. VCF-style: chr13-48342698-A-C. GRCh37 (hg19) VCF-style: chr13-48916834-A-C.
Other names: c.364A>C, p.Lys122Gln (NM_001407165.1, NM_001407166.1); short protein forms K122Q.
Identifiers: ClinVar variation 1733577 (VCV001733577.2), dbSNP rs1301539544, ClinGen allele CA388252535.
Genomic context (GRCh38, chr13:48,342,698, plus strand): 5'-TGTATCTTTATTGCAGCAGTTGACCTAGATGAGATGTCGTTCACTTTTACTGAGCTACAG[A>C]AAAACATAGAAATCAGGTAAAGTTTCTTGTATAAATATAAGCCTCTGCCATAAAAGGAAA-3'
Protein context (NP_000312.2, residues 112-132): EMSFTFTELQ[Lys122Gln]NIEISVHKFF

ClinVar aggregate classification (germline): Uncertain significance (1 of 4 stars; one submission).

Conditions:
Hereditary cancer-predisposing syndrome. Also called: Neoplastic Syndromes, Hereditary; Tumor predisposition; Hereditary Cancer Syndrome; Hereditary neoplastic syndrome. Identifiers: Orphanet 140162, MedGen C0027672, MeSH D009386, MONDO:0015356.

Submission:

Ambry Genetics
Classification: Uncertain significance for Hereditary cancer-predisposing syndrome. Last evaluated: 2020-01-23. Review status: criteria provided, single submitter. Criteria: Ambry Variant Classification Scheme 2023. Collection method: clinical testing. Allele origin: germline.
Comment: The p.K122Q variant (also known as c.364A>C), located in coding exon 3 of the RB1 gene, results from an A to C substitution at nucleotide position 364. The lysine at codon 122 is replaced by glutamine, an amino acid with similar properties. This amino acid position is highly conserved in available vertebrate species. In addition, the in silico prediction for this alteration is inconclusive. Since supporting evidence is limited at this time, the clinical significance of this alteration remains unclear.